The following is an entry in ClinVar:

NM_001082971.2(DDC):c.771C>T (p.Val257=)

Gene: DDC (dopa decarboxylase; minus strand). Cytogenetic location: 7p12.1.
Variant type: single nucleotide variant.
Coding change: c.771C>T on transcript NM_001082971.2 (MANE Select); coding-DNA position 771, C replaced by T.
Protein change: p.Val257=; no amino-acid change (valine 257 retained).
Molecular consequence: synonymous variant.
Genome position (GRCh38, 1-based): chr7:50,504,003, G>A on the plus strand (C>T on the coding strand, the complement: DDC is on the minus strand). VCF-style: chr7-50504003-G-A. GRCh37 (hg19) VCF-style: chr7-50571701-G-A.
Other names: c.771C>T, p.Val257= (NM_000790.4, NM_001242890.2); c.657C>T, p.Val219= (NM_001242886.2); c.627C>T, p.Val209= (NM_001242887.2); c.537C>T, p.Val179= (NM_001242888.2); c.492C>T, p.Val164= (NM_001242889.2); c.771C>T (NM_000790.3).
Identifiers: ClinVar variation 1099010 (VCV001099010.11), dbSNP rs117436059, ClinGen allele CA4262260.

ClinVar aggregate classification (germline): Likely benign. Review status: criteria provided, single submitter (1 of 4 stars). 2 submissions from 2 submitters: Likely benign (1). 1 of the submissions does not count toward it. Last evaluated 2025-12-21.

Conditions:
Deficiency of aromatic-L-amino-acid decarboxylase. Also called: AADC DEFICIENCY; DDC DEFICIENCY; DOPA DECARBOXYLASE DEFICIENCY; Aromatic L-Amino Acid Decarboxylase Deficiency; Aromatic amino acid decarboxylase deficiency. Identifiers: Orphanet 35708, MedGen C1291564, MONDO:0012084, OMIM 608643.
DDC-related disorder. Also called: DDC-related condition.

Allele frequency attached by ClinVar (database versions not stated): TOPMed 0.00003; gnomAD 0.00004; ESP Exome Variant Server 0.00015; 1000 Genomes Project 30x 0.00016; 1000 Genomes Project 0.00020.
gnomAD v4.1: 157 of 1,613,156 alleles (0.0097%); highest among the groups gnomAD compares: East Asian, 0.029%; no homozygotes.

Submissions (2):

Labcorp Genetics (formerly Invitae), Labcorp
Classification: Likely benign for Deficiency of aromatic-L-amino-acid decarboxylase. Last evaluated: 2025-12-21. Review status: criteria provided, single submitter. Criteria: Invitae Variant Classification Sherloc (09022015). Collection method: clinical testing. Allele origin: germline.

PreventionGenetics, part of Exact Sciences
Classification: Likely benign for DDC-related condition. Last evaluated: 2019-04-24. Review status: no assertion criteria provided. Collection method: clinical testing. Allele origin: germline. Not counted in ClinVar's aggregate classification.
Comment: This variant is classified as likely benign based on ACMG/AMP sequence variant interpretation guidelines (Richards et al. 2015 PMID: 25741868, with internal and published modifications).